The following is an entry in ClinVar:

NM_014000.3(VCL):c.1543G>A (p.Gly515Ser)

Gene: VCL (vinculin; plus strand). Cytogenetic location: 10q22.2.
Variant type: single nucleotide variant.
Coding change: c.1543G>A on transcript NM_014000.3 (MANE Select); coding-DNA position 1543, G replaced by A.
Protein change: p.Gly515Ser; replaces glycine 515 with serine.
Molecular consequence: missense variant.
Genome position (GRCh38, 1-based): chr10:74,094,461, G>A. VCF-style: chr10-74094461-G-A. GRCh37 (hg19) VCF-style: chr10-75854219-G-A.
Other names: c.1543G>A, p.Gly515Ser (NM_003373.4); short protein forms G515S.
Identifiers: ClinVar variation 566983 (VCV000566983.6), dbSNP rs1215494764, ClinGen allele CA377274038.
Genomic context (GRCh38, chr10:74,094,461, plus strand): 5'-GGCAAGATTGAGCAAGCACAGCGGTGGATTGATAATCCCACAGTGGATGACCGTGGAGTC[G>A]GTAAGGGCAGCAGTGCACTATAACCTCATTAAATTGGTCTCAGTGCAAATAAGCAAGTTG-3'
Protein context (NP_054706.1, residues 505-525): DNPTVDDRGV[Gly515Ser]QAAIRGLVAE

ClinVar aggregate classification (germline): Uncertain significance (1 of 4 stars; one submission).

Conditions:
Dilated cardiomyopathy 1W (CMD1W). Identifiers: Orphanet 154, MedGen C1969639, MONDO:0012667, OMIM 611407.

Allele frequency attached by ClinVar (database versions not stated): gnomAD exomes below 0.00001 and 0.00001.
gnomAD v4.1: 6 of 1,613,024 alleles (0.00037%); highest among the groups gnomAD compares: Admixed American, 0.0017%; no homozygotes.

Submission:

Labcorp Genetics (formerly Invitae), Labcorp
Classification: Uncertain significance for Dilated cardiomyopathy 1W. Last evaluated: 2025-11-21. Review status: criteria provided, single submitter. Criteria: Invitae Variant Classification Sherloc (09022015). Collection method: clinical testing. Allele origin: germline.
Comment: This sequence change replaces glycine, which is neutral and non-polar, with serine, which is neutral and polar, at codon 515 of the VCL protein (p.Gly515Ser). This variant also falls at the last nucleotide of exon 11, which is part of the consensus splice site for this exon. The frequency data for this variant in the population databases is considered unreliable, as metrics indicate poor data quality at this position in the gnomAD database. This missense change has been observed in individual(s) with hypertrophic cardiomyopathy (PMID: 23785128). ClinVar contains an entry for this variant (Variation ID: 566983). An algorithm developed to predict the effect of missense changes on protein structure and function (PolyPhen-2) suggests that this variant is likely to be disruptive. Variants that disrupt the consensus splice site are a relatively common cause of aberrant splicing (PMID: 17576681, 9536098). Algorithms developed to predict the effect of sequence changes on RNA splicing suggest that this variant may disrupt the consensus splice site. In summary, the available evidence is currently insufficient to determine the role of this variant in disease. Therefore, it has been classified as a Variant of Uncertain Significance.

Literature cited by the submitters: PubMed 23785128; PubMed 17576681; PubMed 9536098.